The following is an entry in ClinVar:

NM_012210.4(TRIM32):c.282T>C (p.Ala94=)

Genes: ASTN2 (astrotactin 2; minus strand), TRIM32 (tripartite motif containing 32; plus strand). Cytogenetic location: 9q33.1.
Variant type: single nucleotide variant.
Coding change: c.282T>C on transcript NM_012210.4 (MANE Select); coding-DNA position 282, T replaced by C.
Protein change: p.Ala94=; no amino-acid change (alanine 94 retained).
Molecular consequence: synonymous variant. On other transcripts: intron variant (3).
Genome position (GRCh38, 1-based): chr9:116,698,024, T>C. VCF-style: chr9-116698024-T-C. GRCh37 (hg19) VCF-style: chr9-119460303-T-C.
Other names: c.282T>C, p.Ala94= (NM_001099679.2, NM_001379048.1, NM_001379049.1 and 1 more transcripts); c.2653+27747A>G (NM_014010.5); c.2794+27747A>G (NM_001365069.1); c.2806+27747A>G (NM_001365068.1).
Identifiers: ClinVar variation 2659464 (VCV002659464.24), dbSNP rs1860961572, ClinGen allele CA466915921.

ClinVar aggregate classification (germline): Likely benign (1 of 4 stars; one submission).

Allele frequency attached by ClinVar (database versions not stated): gnomAD exomes below 0.00001; TOPMed below 0.00001.
gnomAD v4.1: 2 of 1,614,086 alleles (0.00012%); highest among the groups gnomAD compares: South Asian, 0.0011%; no homozygotes.

Submission:

CeGaT Center for Human Genetics Tuebingen
Classification: Likely benign. Last evaluated: 2022-08-01. Review status: criteria provided, single submitter. Criteria: CeGaT Center For Human Genetics Tuebingen Variant Classification Criteria Version 2. Collection method: clinical testing. Allele origin: germline. Affected: yes. Observed: 1 variant allele.
Comment: TRIM32: PM2:Supporting, BP4, BP7